The following is an entry in ClinVar:

NM_018012.4(KIF26B):c.222C>G (p.Gly74=)

Genes: KIF26B (kinesin family member 26B; plus strand), LOC129932922 (ATAC-STARR-seq lymphoblastoid silent region 2029; plus strand). Cytogenetic location: 1q44.
Variant type: single nucleotide variant.
Coding change: c.222C>G on transcript NM_018012.4 (MANE Select); coding-DNA position 222, C replaced by G.
Protein change: p.Gly74=; no amino-acid change (glycine 74 retained).
Molecular consequence: synonymous variant.
Genome position (GRCh38, 1-based): chr1:245,156,440, C>G. VCF-style: chr1-245156440-C-G. GRCh37 (hg19) VCF-style: chr1-245319742-C-G.
Identifiers: ClinVar variation 3033153 (VCV003033153.2), dbSNP rs765071022, ClinGen allele CA424411287.

ClinVar aggregate classification (germline): Likely benign (0 of 4 stars; one submission).

Conditions:
KIF26B-related disorder. Also called: KIF26B-related condition.

gnomAD v4.1: 1 of 1,526,396 alleles (0.000066%); highest among the groups gnomAD compares: Non-Finnish European, 0.000088%; no homozygotes.

Submission:

PreventionGenetics, part of Exact Sciences
Classification: Likely benign for KIF26B-related condition. Last evaluated: 2019-03-13. Review status: no assertion criteria provided. Collection method: clinical testing. Allele origin: germline.
Comment: This variant is classified as likely benign based on ACMG/AMP sequence variant interpretation guidelines (Richards et al. 2015 PMID: 25741868, with internal and published modifications).